The following is an entry in ClinVar:

ClinVar aggregate classification (germline): Uncertain significance (1 of 4 stars; one submission).

Conditions:
Periventricular nodular heterotopia 9. Identifiers: MedGen C5394503, MONDO:0030061, OMIM 618918.

Submission:

New York Genome Center
Classification: Uncertain significance for Periventricular nodular heterotopia 9. Last evaluated: 2021-05-03. Review status: criteria provided, single submitter. Criteria: NYGC Assertion Criteria 2020. Collection method: clinical testing. Allele origin: inherited. Observed: 1 heterozygote. Study: CSER-NYCKidSeq.
Comment: The inherited c.3943G>A (p.Asp1315Asn) variant in exon 5 of 7 of the MAP1B gene has not been reported in the available literature. This variant is absent in gnomADv3 suggesting it is not a common benign variant in the populations represented in this database. In silico predictors suggest this variant is damaging (SIFT; score: 0.002, Provean, score: -3.57)and benign (REVEL; score: 0.2649). Given the lack of genetic evidence, functional studies and conflicting in silico predictions, the inherited c.3943G>A (p.Asp1315Asn) variant identified in the MAP1B gene is classified as a variant of uncertain significance.

NM_005909.5(MAP1B):c.3943G>A (p.Asp1315Asn)

Gene: MAP1B (microtubule associated protein 1B; plus strand). Cytogenetic location: 5q13.2.
Variant type: single nucleotide variant.
Coding change: c.3943G>A on transcript NM_005909.5 (MANE Select); coding-DNA position 3943, G replaced by A.
Protein change: p.Asp1315Asn; replaces aspartic acid 1315 with asparagine.
Molecular consequence: missense variant.
Genome position (GRCh38, 1-based): chr5:72,197,298, G>A. VCF-style: chr5-72197298-G-A. GRCh37 (hg19) VCF-style: chr5-71493125-G-A.
Other names: c.3565G>A, p.Asp1189Asn (NM_001324255.2); short protein forms D1189N, D1315N.
Identifiers: ClinVar variation 1342638 (VCV001342638.1), dbSNP rs1747200699, ClinGen allele CA360013509.